The following is an entry in ClinVar:

ClinVar aggregate classification (germline): Uncertain significance (1 of 4 stars; one submission).

Conditions:
Cystic fibrosis (CF). Also called: MUCOVISCIDOSIS. Identifiers: Orphanet 586, MedGen C0010674, MONDO:0009061, OMIM 219700. Disease mechanism: loss of function.

Submission:

Labcorp Genetics (formerly Invitae), Labcorp
Classification: Uncertain significance for Cystic fibrosis. Last evaluated: 2022-02-24. Review status: criteria provided, single submitter. Criteria: Invitae Variant Classification Sherloc (09022015). Collection method: clinical testing. Allele origin: germline.
Comment: In summary, the available evidence is currently insufficient to determine the role of this variant in disease. Therefore, it has been classified as a Variant of Uncertain Significance. Algorithms developed to predict the effect of missense changes on protein structure and function are either unavailable or do not agree on the potential impact of this missense change (SIFT: "Tolerated"; PolyPhen-2: "Probably Damaging"; Align-GVGD: "Class C0"). This variant has not been reported in the literature in individuals affected with CFTR-related conditions. This variant is not present in population databases (gnomAD no frequency). This sequence change replaces serine, which is neutral and polar, with proline, which is neutral and non-polar, at codon 108 of the CFTR protein (p.Ser108Pro).

NM_000492.4(CFTR):c.322T>C (p.Ser108Pro)

Gene: CFTR (CF transmembrane conductance regulator; plus strand). Cytogenetic location: 7q31.2.
Variant type: single nucleotide variant.
Coding change: c.322T>C on transcript NM_000492.4 (MANE Select); coding-DNA position 322, T replaced by C.
Protein change: p.Ser108Pro; replaces serine 108 with proline.
Molecular consequence: missense variant.
Genome position (GRCh38, 1-based): chr7:117,530,947, T>C. VCF-style: chr7-117530947-T-C. GRCh37 (hg19) VCF-style: chr7-117171001-T-C.
Other names: short protein forms S108P.
Identifiers: ClinVar variation 2096208 (VCV002096208.4), dbSNP rs2485009025, ClinGen allele CA368974376.